The following is an entry in ClinVar:

ClinVar aggregate classification (germline): Pathogenic (1 of 4 stars; one submission).

gnomAD v4.1: 5 of 1,613,134 alleles (0.00031%); highest among the groups gnomAD compares: Admixed American, 0.0017%; no homozygotes.

Submission:

GeneDx
Classification: Pathogenic. Last evaluated: 2024-12-17. Review status: criteria provided, single submitter. Criteria: GeneDx Variant Classification Process June 2021. Collection method: clinical testing. Allele origin: germline. Affected: yes.
Comment: Canonical splice site variant predicted to result in a null allele in a gene for which loss of function is a known mechanism of disease; Not observed at significant frequency in large population cohorts (gnomAD); This variant is associated with the following publications: (PMID: 33144682, 34042254)

NM_144991.3(TSPEAR):c.543-1G>A

Gene: TSPEAR (thrombospondin type laminin G domain and EAR repeats; minus strand). Cytogenetic location: 21q22.3.
Variant type: single nucleotide variant.
Coding change: c.543-1G>A on transcript NM_144991.3 (MANE Select); the canonical splice acceptor site of the intron before coding-DNA position 543, G replaced by A.
Molecular consequence: splice acceptor variant.
Genome position (GRCh38, 1-based): chr21:44,531,134, C>T on the plus strand (G>A on the coding strand, the complement: TSPEAR is on the minus strand). VCF-style: chr21-44531134-C-T. GRCh37 (hg19) VCF-style: chr21-45951017-C-T.
Other names: c.339-1G>A (NM_001272037.2).
Identifiers: ClinVar variation 3906466 (VCV003906466.1).